The following is an entry in ClinVar:

ClinVar aggregate classification (germline): Uncertain significance (1 of 4 stars; one submission).

Submission:

Labcorp Genetics (formerly Invitae), Labcorp
Classification: Uncertain significance. Last evaluated: 2024-10-07. Review status: criteria provided, single submitter. Criteria: Invitae Variant Classification Sherloc (09022015). Collection method: clinical testing. Allele origin: germline.
Comment: This sequence change replaces methionine, which is neutral and non-polar, with leucine, which is neutral and non-polar, at codon 423 of the DIAPH3 protein (p.Met423Leu). This variant is not present in population databases (gnomAD no frequency). This variant has not been reported in the literature in individuals affected with DIAPH3-related conditions. An algorithm developed to predict the effect of missense changes on protein structure and function (PolyPhen-2) suggests that this variant is likely to be tolerated. In summary, the available evidence is currently insufficient to determine the role of this variant in disease. Therefore, it has been classified as a Variant of Uncertain Significance.

NM_001042517.2(DIAPH3):c.1267A>T (p.Met423Leu)

Gene: DIAPH3 (diaphanous related formin 3; minus strand). Cytogenetic location: 13q21.2.
Variant type: single nucleotide variant.
Coding change: c.1267A>T on transcript NM_001042517.2 (MANE Select); coding-DNA position 1267, A replaced by T.
Protein change: p.Met423Leu; replaces methionine 423 with leucine.
Molecular consequence: missense variant.
Genome position (GRCh38, 1-based): chr13:59,991,252, T>A on the plus strand (A>T on the coding strand, the complement: DIAPH3 is on the minus strand). VCF-style: chr13-59991252-T-A. GRCh37 (hg19) VCF-style: chr13-60565386-T-A.
Other names: c.1234A>T, p.Met412Leu (NM_001258366.2); c.1129A>T, p.Met377Leu (NM_001258367.2); c.1057A>T, p.Met353Leu (NM_001258368.2); c.1267A>T, p.Met423Leu (NM_001258369.2); c.478A>T, p.Met160Leu (NM_001258370.2, NM_030932.4); short protein forms M160L, M353L, M412L, M377L, M423L.
Identifiers: ClinVar variation 3722408 (VCV003722408.2).